The following is an entry in ClinVar:

ClinVar aggregate classification (germline): Uncertain significance. Review status: criteria provided, multiple submitters, no conflicts (2 of 4 stars). 2 submissions from 2 submitters: Uncertain significance (2). Last evaluated 2026-02-17.

Conditions:
ATRN-related disorder. Also called: ATRN-related condition.

Allele frequency attached by ClinVar (database versions not stated): gnomAD exomes 0.00002; TOPMed 0.00002.
gnomAD v4.1: 24 of 1,603,556 alleles (0.0015%); highest among the groups gnomAD compares: Non-Finnish European, 0.002%; no homozygotes.

Submissions (2):

PreventionGenetics, part of Exact Sciences
Classification: Uncertain significance for ATRN-related condition. Last evaluated: 2026-02-17. Review status: criteria provided, single submitter. Criteria: ACMG Guidelines, 2015. Collection method: clinical testing. Allele origin: germline.
Comment: The ATRN c.952T>C variant is predicted to result in the amino acid substitution p.Cys318Arg. To our knowledge, this variant has not been reported in the literature or in gnomAD, indicating this variant is rare. At this time, the clinical significance of this variant is uncertain due to the absence of conclusive functional and genetic evidence.

Ambry Genetics
Classification: Uncertain significance. Last evaluated: 2022-10-03. Review status: criteria provided, single submitter. Criteria: Ambry Variant Classification Scheme 2023. Collection method: clinical testing. Allele origin: germline.

NM_139321.3(ATRN):c.952T>C (p.Cys318Arg)

Gene: ATRN (attractin; plus strand). Cytogenetic location: 20p13.
Variant type: single nucleotide variant.
Coding change: c.952T>C on transcript NM_139321.3 (MANE Select); coding-DNA position 952, T replaced by C.
Protein change: p.Cys318Arg; replaces cysteine 318 with arginine.
Molecular consequence: missense variant.
Genome position (GRCh38, 1-based): chr20:3,549,178, T>C. VCF-style: chr20-3549178-T-C. GRCh37 (hg19) VCF-style: chr20-3529825-T-C.
Other names: c.604T>C, p.Cys202Arg (NM_001207047.3); c.952T>C, p.Cys318Arg (NM_001323332.2, NM_139322.4); short protein forms C318R, C202R.
Identifiers: ClinVar variation 2315399 (VCV002315399.4), dbSNP rs954030033, ClinGen allele CA310694418.